The following is an entry in ClinVar:

NM_033109.5(PNPT1):c.1022A>G (p.Asn341Ser)

Gene: PNPT1 (polyribonucleotide nucleotidyltransferase 1; minus strand). Cytogenetic location: 2p16.1.
Variant type: single nucleotide variant.
Coding change: c.1022A>G on transcript NM_033109.5 (MANE Select); coding-DNA position 1022, A replaced by G.
Protein change: p.Asn341Ser; replaces asparagine 341 with serine.
Molecular consequence: missense variant.
Genome position (GRCh38, 1-based): chr2:55,667,913, T>C on the plus strand (A>G on the coding strand, the complement: PNPT1 is on the minus strand). VCF-style: chr2-55667913-T-C. GRCh37 (hg19) VCF-style: chr2-55895048-T-C.
Other names: c.1022A>G (NM_033109.3); short protein forms N341S.
Identifiers: ClinVar variation 1194598 (VCV001194598.9), dbSNP rs759908051, ClinGen allele CA1668254.

ClinVar aggregate classification (germline): Uncertain significance. Review status: criteria provided, multiple submitters, no conflicts (2 of 4 stars). 4 submissions from 4 submitters: Uncertain significance (4). Last evaluated 2025-08-06.

Conditions:
PNPT1-related disorder. Also called: PNPT1-related condition; PNPT1-related disorders.
Inborn genetic diseases. Identifiers: MedGen C0950123, MeSH D030342.

Allele frequency attached by ClinVar (database versions not stated): gnomAD 0.00001; gnomAD exomes 0.00001 and 0.00004; TOPMed 0.00002; ExAC 0.00004.
gnomAD v4.1: 10 of 1,582,888 alleles (0.00063%); highest among the groups gnomAD compares: Admixed American, 0.018%; no homozygotes.

Submissions (4):

GeneDx
Classification: Uncertain significance. Last evaluated: 2025-08-06. Review status: criteria provided, single submitter. Criteria: GeneDx Variant Classification Process June 2021. Collection method: clinical testing. Allele origin: germline. Affected: yes.
Comment: In silico analysis suggests that this missense variant does not alter protein structure/function; Has not been previously published as pathogenic or benign to our knowledge

Ambry Genetics
Classification: Uncertain significance for Inborn genetic diseases. Last evaluated: 2025-08-04. Review status: criteria provided, single submitter. Criteria: Ambry Variant Classification Scheme 2023. Collection method: clinical testing. Allele origin: germline.

Labcorp Genetics (formerly Invitae), Labcorp
Classification: Uncertain significance. Last evaluated: 2023-11-27. Review status: criteria provided, single submitter. Criteria: Invitae Variant Classification Sherloc (09022015). Collection method: clinical testing. Allele origin: germline.
Comment: This sequence change replaces asparagine, which is neutral and polar, with serine, which is neutral and polar, at codon 341 of the PNPT1 protein (p.Asn341Ser). This variant is present in population databases (rs759908051, gnomAD 0.03%). This variant has not been reported in the literature in individuals affected with PNPT1-related conditions. ClinVar contains an entry for this variant (Variation ID: 1194598). Advanced modeling of protein sequence and biophysical properties (such as structural, functional, and spatial information, amino acid conservation, physicochemical variation, residue mobility, and thermodynamic stability) performed at Invitae indicates that this missense variant is not expected to disrupt PNPT1 protein function with a negative predictive value of 80%. In summary, the available evidence is currently insufficient to determine the role of this variant in disease. Therefore, it has been classified as a Variant of Uncertain Significance.

PreventionGenetics, part of Exact Sciences
Classification: Uncertain significance for PNPT1-related condition. Last evaluated: 2023-04-06. Review status: criteria provided, single submitter. Criteria: ACMG Guidelines, 2015. Collection method: clinical testing. Allele origin: germline.
Comment: The PNPT1 c.1022A>G variant is predicted to result in the amino acid substitution p.Asn341Ser. To our knowledge, this variant has not been reported in the literature. This variant is reported in 0.033% of alleles in individuals of Latino descent in gnomAD. At this time, the clinical significance of this variant is uncertain due to the absence of conclusive functional and genetic evidence.